The following is an entry in ClinVar:

ClinVar aggregate classification (germline): Uncertain significance (1 of 4 stars; one submission).

Allele frequency attached by ClinVar (database versions not stated): gnomAD exomes below 0.00001 and 0.00002.
gnomAD v4.1: 7 of 1,552,168 alleles (0.00045%); highest among the groups gnomAD compares: South Asian, 0.0059%; no homozygotes.

Submission:

Labcorp Genetics (formerly Invitae), Labcorp
Classification: Uncertain significance. Last evaluated: 2022-02-04. Review status: criteria provided, single submitter. Criteria: Invitae Variant Classification Sherloc (09022015). Collection method: clinical testing. Allele origin: germline.
Comment: This sequence change replaces leucine with proline at codon 599 of the UNC80 protein (p.Leu599Pro). The leucine residue is weakly conserved and there is a moderate physicochemical difference between leucine and proline. This variant is present in population databases (no rsID available, gnomAD 0.01%). This variant has not been reported in the literature in individuals affected with UNC80-related conditions. Algorithms developed to predict the effect of missense changes on protein structure and function are either unavailable or do not agree on the potential impact of this missense change (SIFT: "Not Available"; PolyPhen-2: "Probably Damaging"; Align-GVGD: "Not Available"). In summary, the available evidence is currently insufficient to determine the role of this variant in disease. Therefore, it has been classified as a Variant of Uncertain Significance.

NM_001371986.1(UNC80):c.1796T>C (p.Leu599Pro)

Gene: UNC80 (unc-80 homolog, NALCN channel complex subunit; plus strand). Cytogenetic location: 2q34.
Variant type: single nucleotide variant.
Coding change: c.1796T>C on transcript NM_001371986.1 (MANE Select); coding-DNA position 1796, T replaced by C.
Protein change: p.Leu599Pro; replaces leucine 599 with proline.
Molecular consequence: missense variant.
Genome position (GRCh38, 1-based): chr2:209,819,095, T>C. VCF-style: chr2-209819095-T-C. GRCh37 (hg19) VCF-style: chr2-210683819-T-C.
Other names: c.1796T>C, p.Leu599Pro (NM_032504.2, NM_182587.4); short protein forms L599P.
Identifiers: ClinVar variation 1502255 (VCV001502255.3), dbSNP rs1435848024, ClinGen allele CA350135692.